The following is an entry in ClinVar:

NM_000489.6(ATRX):c.3287T>G (p.Leu1096Trp)

Gene: ATRX (ATRX chromatin remodeler; minus strand). Cytogenetic location: Xq21.1.
Variant type: single nucleotide variant.
Coding change: c.3287T>G on transcript NM_000489.6 (MANE Select); coding-DNA position 3287, T replaced by G.
Protein change: p.Leu1096Trp; replaces leucine 1096 with tryptophan.
Molecular consequence: missense variant.
Genome position (GRCh38, 1-based): chrX:77,681,969, A>C on the plus strand (T>G on the coding strand, the complement: ATRX is on the minus strand). VCF-style: chrX-77681969-A-C. GRCh37 (hg19) VCF-style: chrX-76937461-A-C.
Other names: c.3173T>G, p.Leu1058Trp (NM_138270.5); short protein forms L1096W, L1058W.
Identifiers: ClinVar variation 445399 (VCV000445399.4), dbSNP rs1337990307, ClinGen allele CA413706934.

ClinVar aggregate classification (germline): Uncertain significance. Review status: criteria provided, multiple submitters, no conflicts (2 of 4 stars). 3 submissions from 3 submitters: Uncertain significance (2). 1 of the submissions does not count toward it. Last evaluated 2025-06-26.

Conditions:
Alpha thalassemia-X-linked intellectual disability syndrome (ATRX). Also called: ALPHA-THALASSEMIA/MENTAL RETARDATION SYNDROME, X-LINKED; X-linked alpha-thalassemia-mental retardation syndrome; ATR-X syndrome; Alpha thalassemia mental retardation syndrome, nondeletion type, X-linked; XLMR hypotonic face syndrome; ATR, NONDELETION TYPE. Identifiers: Orphanet 847, MedGen C1845055, MONDO:0010519, OMIM 301040.
Intellectual disability-hypotonic facies syndrome, X-linked, 1 (MRXHF1). Also called: Smith Fineman Myers syndrome 1; XLMR-HYPOTONIC FACIES SYNDROME; CHUDLEY-LOWRY SYNDROME; Chudley syndrome 1; Chudley-Lowry-Hoar syndrome; Carpenter-Waziri syndrome. Identifiers: Orphanet 73220, Orphanet 93970, Orphanet 93971, Orphanet 93972, Orphanet 93973, Orphanet 93974, Orphanet 93975, MedGen C4759781, MONDO:0010663, OMIM 309580.

Allele frequency attached by ClinVar (database versions not stated): TOPMed below 0.00001; gnomAD 0.00001; gnomAD exomes 0.00001.
gnomAD v4.1: 10 of 1,208,165 alleles (0.00083%); highest among the groups gnomAD compares: Non-Finnish European, 0.0011%; no homozygotes.

Submissions (3):

Clinical Genomics Laboratory, Washington University in St. Louis
Classification: Uncertain significance for Alpha thalassemia-X-linked intellectual disability syndrome; Intellectual disability-hypotonic facies syndrome, X-linked, 1. Last evaluated: 2025-06-26. Review status: criteria provided, single submitter. Criteria: ACMG Guidelines, 2015. Collection method: clinical testing. Allele origin: germline.
Comment: The ATRX c.3287T>G (p.Leu1096Trp) variant, to our knowledge, has not been reported in the medical literature but has been reported in the ClinVar database as a germline variant of uncertain significance by two submitters. This variant is absent from the general population (gnomAD v.2.1.1), indicating it is not a common variant. This variant does not occur in a known functional domain and computational predictors suggest that the variant does not impact ATRX function. Due to limited information, and based on ACMG/AMP guidelines for variant interpretation (Richards S et al., PMID: 25741868), the clinical significance of this variant is uncertain at this time.

Center for Pediatric Genomic Medicine, Children's Mercy Hospital and Clinics
Classification: Uncertain significance. Last evaluated: 2017-05-08. Review status: criteria provided, single submitter. Criteria: ACMG Guidelines, 2015. Collection method: clinical testing. Allele origin: germline.

Natera, Inc.
Classification: Uncertain significance for X-linked alpha-thalassemia-mental retardation syndrome. Last evaluated: 2021-04-17. Review status: no assertion criteria provided. Collection method: clinical testing. Allele origin: germline. Not counted in ClinVar's aggregate classification.